The following is an entry in ClinVar:

ClinVar aggregate classification (germline): Uncertain significance (1 of 4 stars; one submission).

Conditions:
Supravalvar aortic stenosis (SVAS). Also called: Supravalvar aortic stenosis, Eisenberg type. Identifiers: Orphanet 3193, MedGen C0003499, MONDO:0008504, OMIM 185500, HP:0004381.

Submission:

Labcorp Genetics (formerly Invitae), Labcorp
Classification: Uncertain significance for Supravalvar aortic stenosis. Last evaluated: 2024-06-14. Review status: criteria provided, single submitter. Criteria: Invitae Variant Classification Sherloc (09022015). Collection method: clinical testing. Allele origin: germline.
Comment: This sequence change falls in intron 6 of the ELN gene. It does not directly change the encoded amino acid sequence of the ELN protein. It affects a nucleotide within the consensus splice site. This variant is not present in population databases (gnomAD no frequency). This variant has not been reported in the literature in individuals affected with ELN-related conditions. Variants that disrupt the consensus splice site are a relatively common cause of aberrant splicing (PMID: 17576681, 9536098). Algorithms developed to predict the effect of sequence changes on RNA splicing suggest that this variant may disrupt the consensus splice site. In summary, the available evidence is currently insufficient to determine the role of this variant in disease. Therefore, it has been classified as a Variant of Uncertain Significance.

Literature cited by the submitters: PubMed 17576681; PubMed 9536098.

NM_000501.4(ELN):c.325+3G>C

Gene: ELN (elastin; plus strand). Cytogenetic location: 7q11.23.
Variant type: single nucleotide variant.
Coding change: c.325+3G>C on transcript NM_000501.4 (MANE Select); 3 bases into the intron after coding-DNA position 325, G replaced by C.
Molecular consequence: intron variant.
Genome position (GRCh38, 1-based): chr7:74,042,709, G>C. VCF-style: chr7-74042709-G-C. GRCh37 (hg19) VCF-style: chr7-73457039-G-C.
Other names: c.325+3G>C (NM_001081754.3, NM_001081753.3, NM_001278939.2 and 4 more transcripts); c.289+3G>C (NM_001278913.2); c.295+3G>C (NM_001278914.2, NM_001278917.2, NM_001081752.3 and 1 more transcripts).
Identifiers: ClinVar variation 3656462 (VCV003656462.2).